The following is an entry in ClinVar:

NM_005055.5(RAPSN):c.770_771insT (p.Ser258fs)

Gene: RAPSN (receptor associated protein of the synapse; minus strand). Cytogenetic location: 11p11.2.
Variant type: Insertion.
Coding change: c.770_771insT on transcript NM_005055.5 (MANE Select); coding-DNA positions 770 to 771, T inserted.
Protein change: p.Ser258fs; shifts the reading frame from serine 258.
Molecular consequence: frameshift variant.
Genome position: GRCh38 VCF-style: chr11-47441841-C-CA. GRCh37 (hg19) VCF-style: chr11-47463393-C-CA.
Other names: c.770_771insT, p.Ser258fs (NM_032645.5); short protein forms S258fs.
Identifiers: ClinVar variation 4060725 (VCV004060725.2).

ClinVar aggregate classification (germline): Likely pathogenic (1 of 4 stars; one submission).

Conditions:
Congenital myasthenic syndrome (CMS). Also called: Congenital Myasthenic Syndromes. Identifiers: Orphanet 590, MedGen C0751882, MeSH D020294, MONDO:0018940.

Submission:

Natera, Inc.
Classification: Likely pathogenic for Congenital myasthenic syndrome. Last evaluated: 2025-02-09. Review status: criteria provided, single submitter. Criteria: Natera Variant Classification Schema (03/2026). Collection method: clinical testing. Allele origin: germline.
Comment: The c.770_771insT variant in RAPSN is a frameshift variant predicted to elongate the protein beyond the termination codon. This variant is expected to result in nonsense mediated decay, truncation, or a dysfunctional protein product. This variant is rare in the general population with a frequency below the threshold expected for the associated phenotype(s). Given the available evidence, this variant is classified as Likely Pathogenic.